The following is an entry in ClinVar:

NM_001083962.2(TCF4):c.278C>T (p.Pro93Leu)

Genes: TCF4 (transcription factor 4; minus strand), TCF4-AS1 (TCF4 antisense RNA 1; plus strand). Cytogenetic location: 18q21.2.
Variant type: single nucleotide variant.
Coding change: c.278C>T on transcript NM_001083962.2 (MANE Select); coding-DNA position 278, C replaced by T.
Protein change: p.Pro93Leu; replaces proline 93 with leucine.
Molecular consequence: missense variant.
Genome position (GRCh38, 1-based): chr18:55,461,045, G>A on the plus strand (C>T on the coding strand, the complement: TCF4 is on the minus strand). VCF-style: chr18-55461045-G-A. GRCh37 (hg19) VCF-style: chr18-53128276-G-A.
Other names: c.206C>T, p.Pro69Leu (NM_001243227.2, NM_001306207.1, NM_001348217.1 and 15 more transcripts); c.278C>T, p.Pro93Leu (NM_001243228.2, NM_003199.3, NM_001330604.3 and 8 more transcripts); c.272C>T, p.Pro91Leu (NM_001243230.2); c.152C>T, p.Pro51Leu (NM_001243231.2, NM_001348211.2); c.584C>T, p.Pro195Leu (NM_001243226.3); short protein forms P51L, P69L, P91L, P93L, P195L.
Identifiers: ClinVar variation 664799 (VCV000664799.8), dbSNP rs1603483664, ClinGen allele CA402703493.
Genomic context (GRCh38, chr18:55,461,045, plus strand): 5'-CAAAAAGTGTAAGTTAATTTAAAATGGGTCTTACTTTGTATTCTGGAATTGACAAAAGGT[G>A]GAGAGAGATTGTCATGTGACCCAAGGTCCCTGCTGGTCATGTGGTCATAGGGAGTCCCAT-3'
Protein context (NP_001077431.1, residues 83-103): RDLGSHDNLS[Pro93Leu]PFVNSRIQSK

ClinVar aggregate classification (germline): Uncertain significance (1 of 4 stars; one submission).

Conditions:
Pitt-Hopkins syndrome (PTHS). Also called: ENCEPHALOPATHY, SEVERE EPILEPTIC, WITH AUTONOMIC DYSFUNCTION; MENTAL RETARDATION, SYNDROMAL, WITH INTERMITTENT HYPERVENTILATION. Identifiers: Orphanet 2896, MedGen C1970431, MONDO:0012589, OMIM 610954.

Submission:

Labcorp Genetics (formerly Invitae), Labcorp
Classification: Uncertain significance for Pitt-Hopkins syndrome. Last evaluated: 2018-08-11. Review status: criteria provided, single submitter. Criteria: Invitae Variant Classification Sherloc (09022015). Collection method: clinical testing. Allele origin: germline.
Comment: In summary, the available evidence is currently insufficient to determine the role of this variant in disease. Therefore, it has been classified as a Variant of Uncertain Significance. Algorithms developed to predict the effect of missense changes on protein structure and function are either unavailable or do not agree on the potential impact of this missense change (SIFT: "Deleterious"; PolyPhen-2: "Benign"; Align-GVGD: "Class C0"). This variant has not been reported in the literature in individuals with TCF4-related disease. This variant is not present in population databases (ExAC no frequency). This sequence change replaces proline with leucine at codon 93 of the TCF4 protein (p.Pro93Leu). The proline residue is moderately conserved and there is a moderate physicochemical difference between proline and leucine.